The following is an entry in ClinVar:

ClinVar aggregate classification (germline): Pathogenic/Likely pathogenic. Review status: criteria provided, multiple submitters, no conflicts (2 of 4 stars). 2 submissions from 2 submitters: Pathogenic (1); Likely pathogenic (1). Last evaluated 2024-11-18.

Conditions:
Schaaf-Yang syndrome (SHFYNG). Also called: Arthrogryposis, distal, with hypopituitarism, intellectual disability, and facial anomalies; MAGEL2-related Prader-Willi-like syndrome. Identifiers: Orphanet 398069, MedGen C5575066, MONDO:0014243, OMIM 615547.

Submissions (2):

Servicio de Genética Del Instituto Nacional de Salud Del Niño, Ministerio de Salud
Classification: Pathogenic for Schaaf-Yang syndrome. Last evaluated: 2024-11-18. Review status: criteria provided, single submitter. Criteria: ACMG Guidelines, 2015. Collection method: clinical testing. Allele origin: germline. Inheritance: Autosomal dominant inheritance. Affected: yes.
Comment: The variant NM_019066.5:c.1808C>G (p.Ser603)* results in a substitution of serine at position 603. Based on ACMG/AMP guidelines, this variant meets the criteria for PS4, PVS1, PM2, and PP5, supporting its classification as pathogenic. These criteria are based on the functional impact and computational predictions suggesting that the substitution disrupts protein function, leading to a possible loss-of-function effect.

CENTOGENE GmbH and LLC - Guiding Precision Medicine
Classification: Likely pathogenic for Schaaf-Yang syndrome. Review status: criteria provided, single submitter. Criteria: ACMG Guidelines, 2015. Collection method: clinical testing. Allele origin: germline. Affected: yes.

Literature cited by the submitters: PubMed 32860008 (cited by CENTOGENE GmbH and LLC - Guiding Precision Medicine).

NM_019066.5(MAGEL2):c.1808C>G (p.Ser603Ter)

Gene: MAGEL2 (MAGE family member L2; minus strand). Cytogenetic location: 15q11.2.
Variant type: single nucleotide variant.
Coding change: c.1808C>G on transcript NM_019066.5 (MANE Select); coding-DNA position 1808, C replaced by G.
Protein change: p.Ser603Ter; replaces serine 603 with a stop codon.
Molecular consequence: nonsense.
Genome position (GRCh38, 1-based): chr15:23,645,935, G>C on the plus strand (C>G on the coding strand, the complement: MAGEL2 is on the minus strand). VCF-style: chr15-23645935-G-C. GRCh37 (hg19) VCF-style: chr15-23891082-G-C.
Other names: short protein forms S603*.
Identifiers: ClinVar variation 974880 (VCV000974880.3), dbSNP rs1595332731, ClinGen allele CA391333289.